The following is an entry in ClinVar:

ClinVar aggregate classification (germline): Uncertain significance (1 of 4 stars; one submission).

Conditions:
Ellis-van Creveld syndrome (EVC). Also called: EVC-Related Ellis-van Creveld Syndrome; EVC2-Related Ellis-van Creveld Syndrome; Chondroectodermal dysplasia; MESOECTODERMAL DYSPLASIA. Identifiers: Orphanet 289, MedGen C0013903, MONDO:0009162, OMIM 225500.
Curry-Hall syndrome (WAD). Also called: WEYERS ACRODENTAL DYSOSTOSIS. Identifiers: Orphanet 952, MedGen C0457013, MONDO:0008673, OMIM 193530.

gnomAD v4.1: 4 of 1,612,788 alleles (0.00025%); highest among the groups gnomAD compares: Admixed American, 0.0067%; no homozygotes.

Submission:

Labcorp Genetics (formerly Invitae), Labcorp
Classification: Uncertain significance for Curry-Hall syndrome; Ellis-van Creveld syndrome. Last evaluated: 2022-06-13. Review status: criteria provided, single submitter. Criteria: Invitae Variant Classification Sherloc (09022015). Collection method: clinical testing. Allele origin: germline.
Comment: This variant is present in population databases (rs771222380, gnomAD 0.01%). In summary, the available evidence is currently insufficient to determine the role of this variant in disease. Therefore, it has been classified as a Variant of Uncertain Significance. Variants that disrupt the consensus splice site are a relatively common cause of aberrant splicing (PMID: 17576681, 9536098). Algorithms developed to predict the effect of sequence changes on RNA splicing suggest that this variant may disrupt the consensus splice site. Algorithms developed to predict the effect of missense changes on protein structure and function are either unavailable or do not agree on the potential impact of this missense change (SIFT: "Deleterious"; PolyPhen-2: "Probably Damaging"; Align-GVGD: "Class C15"). This variant has not been reported in the literature in individuals affected with EVC2-related conditions. This sequence change replaces glutamine, which is neutral and polar, with histidine, which is basic and polar, at codon 902 of the EVC2 protein (p.Gln902His). This variant also falls at the last nucleotide of exon 15, which is part of the consensus splice site for this exon.

Literature cited by the submitters: PubMed 17576681; PubMed 9536098.

NM_147127.5(EVC2):c.2706G>C (p.Gln902His)

Gene: EVC2 (EvC ciliary complex subunit 2; minus strand). Cytogenetic location: 4p16.2.
Variant type: single nucleotide variant.
Coding change: c.2706G>C on transcript NM_147127.5 (MANE Select); coding-DNA position 2706, G replaced by C.
Protein change: p.Gln902His; replaces glutamine 902 with histidine.
Molecular consequence: missense variant.
Genome position (GRCh38, 1-based): chr4:5,618,478, C>G on the plus strand (G>C on the coding strand, the complement: EVC2 is on the minus strand). VCF-style: chr4-5618478-C-G. GRCh37 (hg19) VCF-style: chr4-5620205-C-G.
Other names: c.2466G>C, p.Gln822His (NM_001166136.2); short protein forms Q822H, Q902H.
Identifiers: ClinVar variation 2190103 (VCV002190103.4), dbSNP rs771222380, ClinGen allele CA2834623.